The following is an entry in ClinVar:

NM_133178.4(PTPRU):c.1260G>A (p.Ser420=)

Gene: PTPRU (protein tyrosine phosphatase receptor type U; plus strand). Cytogenetic location: 1p35.3.
Variant type: single nucleotide variant.
Coding change: c.1260G>A on transcript NM_133178.4 (MANE Select); coding-DNA position 1260, G replaced by A.
Protein change: p.Ser420=; no amino-acid change (serine 420 retained).
Molecular consequence: synonymous variant.
Genome position (GRCh38, 1-based): chr1:29,275,563, G>A. VCF-style: chr1-29275563-G-A. GRCh37 (hg19) VCF-style: chr1-29602075-G-A.
Other names: c.1260G>A, p.Ser420= (NM_001195001.2, NM_005704.5, NM_133177.4).
Identifiers: ClinVar variation 3039229 (VCV003039229.2), dbSNP rs777157836, ClinGen allele CA20072359.
Genomic context (GRCh38, chr1:29,275,563, plus strand): 5'-GACCCTGCAGTGGGAACCACTGGGCTACAACGTGACGCGTTGCCACACCTATACTGTGTC[G>A]CTGTGCTATCACTACACCCTGGGCAGCAGCCACAACCAGACCATCCGAGAGTGTGTGAAG-3'
Protein context (NP_573439.2, residues 410-430): NVTRCHTYTV[Ser420=]LCYHYTLGSS

ClinVar aggregate classification (germline): Likely benign (0 of 4 stars; one submission).

Conditions:
PTPRU-related disorder. Also called: PTPRU-related condition.

gnomAD v4.1: 6 of 1,614,154 alleles (0.00037%); highest among the groups gnomAD compares: East Asian, 0.0022%; no homozygotes.

Submission:

PreventionGenetics, part of Exact Sciences
Classification: Likely benign for PTPRU-related condition. Last evaluated: 2019-05-24. Review status: no assertion criteria provided. Collection method: clinical testing. Allele origin: germline.
Comment: This variant is classified as likely benign based on ACMG/AMP sequence variant interpretation guidelines (Richards et al. 2015 PMID: 25741868, with internal and published modifications).